The following is an entry in ClinVar:

NM_033310.3(KCNK4):c.568G>C (p.Val190Leu)

Genes: KCNK4-CATSPERZ (KCNK4-CATSPERZ readthrough (NMD candidate); plus strand), KCNK4 (potassium two pore domain channel subfamily K member 4; plus strand). Cytogenetic location: 11q13.1.
Variant type: single nucleotide variant.
Coding change: c.568G>C on transcript NM_033310.3 (MANE Select); coding-DNA position 568, G replaced by C.
Protein change: p.Val190Leu; replaces valine 190 with leucine.
Molecular consequence: missense variant. On other transcripts: non-coding transcript variant (1).
Genome position (GRCh38, 1-based): chr11:64,297,560, G>C. VCF-style: chr11-64297560-G-C. GRCh37 (hg19) VCF-style: chr11-64065032-G-C.
Other names: c.568G>C, p.Val190Leu (NM_001317090.2, NM_033311.1); short protein forms V190L.
Identifiers: ClinVar variation 2753321 (VCV002753321.3), dbSNP rs749304901, ClinGen allele CA223878596.

ClinVar aggregate classification (germline): Uncertain significance (1 of 4 stars; one submission).

gnomAD v4.1: 1 of 1,614,176 alleles (0.000062%); no homozygotes.

Submission:

Labcorp Genetics (formerly Invitae), Labcorp
Classification: Uncertain significance. Last evaluated: 2023-09-18. Review status: criteria provided, single submitter. Criteria: Invitae Variant Classification Sherloc (09022015). Collection method: clinical testing. Allele origin: germline.
Comment: This variant is not present in population databases (gnomAD no frequency). In summary, the available evidence is currently insufficient to determine the role of this variant in disease. Therefore, it has been classified as a Variant of Uncertain Significance. An algorithm developed to predict the effect of missense changes on protein structure and function (PolyPhen-2) suggests that this variant is likely to be tolerated. This variant has not been reported in the literature in individuals affected with KCNK4-related conditions. This sequence change replaces valine, which is neutral and non-polar, with leucine, which is neutral and non-polar, at codon 190 of the KCNK4 protein (p.Val190Leu).